The following is an entry in ClinVar:

NM_032382.5(COG8):c.997G>A (p.Asp333Asn)

Gene: COG8 (component of oligomeric golgi complex 8; minus strand). Cytogenetic location: 16q22.1.
Variant type: single nucleotide variant.
Coding change: c.997G>A on transcript NM_032382.5 (MANE Select); coding-DNA position 997, G replaced by A.
Protein change: p.Asp333Asn; replaces aspartic acid 333 with asparagine.
Molecular consequence: missense variant.
Genome position (GRCh38, 1-based): chr16:69,334,937, C>T on the plus strand (G>A on the coding strand, the complement: COG8 is on the minus strand). VCF-style: chr16-69334937-C-T. GRCh37 (hg19) VCF-style: chr16-69368840-C-T.
Other names: c.997G>A, p.Asp333Asn (NM_001374871.1, NM_001379261.1, NM_001379262.1 and 4 more transcripts); c.997G>A (NM_032382.4); short protein forms D333N.
Identifiers: ClinVar variation 1492777 (VCV001492777.6), dbSNP rs759864228, ClinGen allele CA8133812.

ClinVar aggregate classification (germline): Uncertain significance. Review status: criteria provided, multiple submitters, no conflicts (2 of 4 stars). 2 submissions from 2 submitters: Uncertain significance (2). Last evaluated 2025-02-24.

Conditions:
COG8-congenital disorder of glycosylation. Also called: CDG IIh; COG8-CDG. Identifiers: Orphanet 95428, MedGen C1970021, MONDO:0012635, OMIM 611182.
Inborn genetic diseases. Identifiers: MedGen C0950123, MeSH D030342.

Allele frequency attached by ClinVar (database versions not stated): gnomAD exomes below 0.00001; ExAC 0.00001; gnomAD 0.00001; TOPMed 0.00003.
gnomAD v4.1: 14 of 1,614,018 alleles (0.00087%); highest among the groups gnomAD compares: Admixed American, 0.005%; no homozygotes.

Submissions (2):

Labcorp Genetics (formerly Invitae), Labcorp
Classification: Uncertain significance for COG8-congenital disorder of glycosylation. Last evaluated: 2025-02-24. Review status: criteria provided, single submitter. Criteria: Invitae Variant Classification Sherloc (09022015). Collection method: clinical testing. Allele origin: germline.
Comment: This sequence change replaces aspartic acid, which is acidic and polar, with asparagine, which is neutral and polar, at codon 333 of the COG8 protein (p.Asp333Asn). This variant is present in population databases (rs759864228, gnomAD 0.003%). This variant has not been reported in the literature in individuals affected with COG8-related conditions. ClinVar contains an entry for this variant (Variation ID: 1492777). Invitae Evidence Modeling of protein sequence and biophysical properties (such as structural, functional, and spatial information, amino acid conservation, physicochemical variation, residue mobility, and thermodynamic stability) indicates that this missense variant is not expected to disrupt COG8 protein function with a negative predictive value of 80%. In summary, the available evidence is currently insufficient to determine the role of this variant in disease. Therefore, it has been classified as a Variant of Uncertain Significance.

Ambry Genetics
Classification: Uncertain significance for Inborn genetic diseases. Last evaluated: 2024-06-26. Review status: criteria provided, single submitter. Criteria: Ambry Variant Classification Scheme 2023. Collection method: clinical testing. Allele origin: germline.